The following is an entry in ClinVar:

NM_001231.5(CASQ1):c.371C>A (p.Thr124Asn)

Gene: CASQ1 (calsequestrin 1; plus strand). Cytogenetic location: 1q23.2.
Variant type: single nucleotide variant.
Coding change: c.371C>A on transcript NM_001231.5 (MANE Select); coding-DNA position 371, C replaced by A.
Protein change: p.Thr124Asn; replaces threonine 124 with asparagine.
Molecular consequence: missense variant.
Genome position (GRCh38, 1-based): chr1:160,193,753, C>A. VCF-style: chr1-160193753-C-A. GRCh37 (hg19) VCF-style: chr1-160163543-C-A.
Other names: short protein forms T124N.
Identifiers: ClinVar variation 4766757 (VCV004766757.1).

ClinVar aggregate classification (germline): Uncertain significance (1 of 4 stars; one submission).

Submission:

Labcorp Genetics (formerly Invitae), Labcorp
Classification: Uncertain significance. Last evaluated: 2025-03-18. Review status: criteria provided, single submitter. Criteria: Invitae Variant Classification Sherloc (09022015). Collection method: clinical testing. Allele origin: germline.
Comment: This sequence change replaces threonine, which is neutral and polar, with asparagine, which is neutral and polar, at codon 124 of the CASQ1 protein (p.Thr124Asn). This variant is not present in population databases (gnomAD no frequency). This variant has not been reported in the literature in individuals affected with CASQ1-related conditions. Invitae Evidence Modeling of protein sequence and biophysical properties (such as structural, functional, and spatial information, amino acid conservation, physicochemical variation, residue mobility, and thermodynamic stability) indicates that this missense variant is not expected to disrupt CASQ1 protein function with a negative predictive value of 80%. In summary, the available evidence is currently insufficient to determine the role of this variant in disease. Therefore, it has been classified as a Variant of Uncertain Significance.